The following is an entry in ClinVar:

ClinVar aggregate classification (germline): Pathogenic (1 of 4 stars; one submission).

Conditions:
Developmental and epileptic encephalopathy, 12 (DEE12). Identifiers: MedGen C3150988, MONDO:0013389, OMIM 613722.

Submission:

Labcorp Genetics (formerly Invitae), Labcorp
Classification: Pathogenic for Developmental and epileptic encephalopathy, 12. Last evaluated: 2025-10-16. Review status: criteria provided, single submitter. Criteria: Invitae Variant Classification Sherloc (09022015). Collection method: clinical testing. Allele origin: germline.
Comment: This sequence change creates a premature translational stop signal (p.Glu5Glyfs*54) in the PNKP gene. It is expected to result in an absent or disrupted protein product. Loss-of-function variants in PNKP are known to be pathogenic (PMID: 20118933, 25728773). This variant is not present in population databases (gnomAD no frequency). This variant has not been reported in the literature in individuals affected with PNKP-related conditions. For these reasons, this variant has been classified as Pathogenic.

Literature cited by the submitters: PubMed 20118933; PubMed 25728773.

NM_007254.4(PNKP):c.11dup (p.Glu5fs)

Gene: PNKP (polynucleotide kinase 3'-phosphatase; minus strand). Cytogenetic location: 19q13.33.
Variant type: Duplication.
Coding change: c.11dup on transcript NM_007254.4 (MANE Select); coding-DNA position 11, one base duplicated (T; older notation c.11dupT).
Protein change: p.Glu5fs; shifts the reading frame from glutamic acid 5.
Molecular consequence: frameshift variant.
Genome position (GRCh38, 1-based): chr19:49,867,194, A duplicated on the plus strand (T on the coding strand, the reverse complement: PNKP is on the minus strand). VCF-style (leftmost placement, unchanged base first): chr19-49867193-C-CA. GRCh37 (hg19) VCF-style: chr19-50370450-C-CA.
Other names: short protein forms E5fs.
Identifiers: ClinVar variation 4754812 (VCV004754812.1).
Genomic context (GRCh38, chr19:49,867,193, plus strand): 5'-CAGGAAGATGGGGGGCGCTCCCCCAGGGGGGCTCTCGAGCCACAAGCGGCCCGGGGCCTC[C>CA]ACCTCGCCCATCCTGGGTGCCGGCCTGGGGAGCAGGTAAACGGGCTTGAGCGGCGCACAG-3'